The following is an entry in ClinVar:

NM_004287.5(GOSR2):c.89_90del (p.Val30fs)

Genes: GOSR2 (golgi SNAP receptor complex member 2; plus strand), LRRC37A2 (leucine rich repeat containing 37 member A2). Cytogenetic location: 17q21.32.
Variant type: Microsatellite.
Coding change: c.89_90del on transcript NM_004287.5 (MANE Select); coding-DNA positions 89 to 90, 2 bases deleted (TG; older notation c.89_90delTG).
Protein change: p.Val30fs; shifts the reading frame from valine 30.
Molecular consequence: frameshift variant. On other transcripts: non-coding transcript variant (3).
Genome position (GRCh38, 1-based): chr17:46,929,579-46,929,580, TG deleted; deleting any 2 consecutive bases within chr17:46,929,577-46,929,580 gives the same sequence; the c. name uses the placement nearest the transcript's 3' end. VCF-style (leftmost placement, unchanged base first): chr17-46929576-CTG-C. GRCh37 (hg19) VCF-style: chr17-45006942-CTG-C.
Other names: c.89_90del, p.Val30fs (NM_001012511.3, NM_001321133.2, NM_001330252.2 and 4 more transcripts); c.35_36del, p.Val12fs (NM_001321134.2, NM_001363851.2); short protein forms V12fs, V30fs.
Identifiers: ClinVar variation 1073493 (VCV001073493.4), dbSNP rs1330994397, ClinGen allele CA626363700.

ClinVar aggregate classification (germline): Pathogenic (1 of 4 stars; one submission).

Conditions:
Progressive myoclonic epilepsy. Also called: Myoclonus epilepsy; Progressive myoclonus epilepsy; Familial progressive myoclonic epilepsy; Myoclonic Epilepsies, Progressive. Identifiers: Orphanet 308, Orphanet 98261, MedGen C0751778, MONDO:0020074.

Submission:

Labcorp Genetics (formerly Invitae), Labcorp
Classification: Pathogenic for Progressive myoclonic epilepsy. Last evaluated: 2024-03-05. Review status: criteria provided, single submitter. Criteria: Invitae Variant Classification Sherloc (09022015). Collection method: clinical testing. Allele origin: germline.
Comment: This sequence change creates a premature translational stop signal (p.Val30Alafs*31) in the GOSR2 gene. It is expected to result in an absent or disrupted protein product. Loss-of-function variants in GOSR2 are known to be pathogenic (PMID: 21549339). This variant is present in population databases (no rsID available, gnomAD 0.003%). This variant has not been reported in the literature in individuals affected with GOSR2-related conditions. For these reasons, this variant has been classified as Pathogenic.

Literature cited by the submitters: PubMed 21549339.